The following is an entry in ClinVar:

NM_000215.4(JAK3):c.628C>T (p.Arg210Trp)

Gene: JAK3 (Janus kinase 3; minus strand). Cytogenetic location: 19p13.11.
Variant type: single nucleotide variant.
Coding change: c.628C>T on transcript NM_000215.4 (MANE Select); coding-DNA position 628, C replaced by T.
Protein change: p.Arg210Trp; replaces arginine 210 with tryptophan.
Molecular consequence: missense variant.
Genome position (GRCh38, 1-based): chr19:17,842,549, G>A on the plus strand (C>T on the coding strand, the complement: JAK3 is on the minus strand). VCF-style: chr19-17842549-G-A. GRCh37 (hg19) VCF-style: chr19-17953358-G-A.
Other names: short protein forms R210W.
Identifiers: ClinVar variation 2731312 (VCV002731312.3), dbSNP rs2147697882, ClinGen allele CA404772809.

ClinVar aggregate classification (germline): Uncertain significance (1 of 4 stars; one submission).

Conditions:
T-B+ severe combined immunodeficiency due to JAK3 deficiency. Also called: SCID, autosomal recessive, T-negative/B-positive type; SCID, T CELL-NEGATIVE, B CELL-POSITIVE, NK CELL-NEGATIVE. Identifiers: Orphanet 35078, MedGen C1833275, MONDO:0010938, OMIM 600802.

Submission:

Labcorp Genetics (formerly Invitae), Labcorp
Classification: Uncertain significance for T-B+ severe combined immunodeficiency due to JAK3 deficiency. Last evaluated: 2023-07-20. Review status: criteria provided, single submitter. Criteria: Invitae Variant Classification Sherloc (09022015). Collection method: clinical testing. Allele origin: germline.
Comment: Advanced modeling of protein sequence and biophysical properties (such as structural, functional, and spatial information, amino acid conservation, physicochemical variation, residue mobility, and thermodynamic stability) performed at Invitae indicates that this missense variant is expected to disrupt JAK3 protein function. In summary, the available evidence is currently insufficient to determine the role of this variant in disease. Therefore, it has been classified as a Variant of Uncertain Significance. This variant has not been reported in the literature in individuals affected with JAK3-related conditions. This variant is not present in population databases (gnomAD no frequency). This sequence change replaces arginine, which is basic and polar, with tryptophan, which is neutral and slightly polar, at codon 210 of the JAK3 protein (p.Arg210Trp).